The following is an entry in ClinVar:

ClinVar aggregate classification (germline): Uncertain significance (1 of 4 stars; one submission).

Submission:

Labcorp Genetics (formerly Invitae), Labcorp
Classification: Uncertain significance. Last evaluated: 2021-04-12. Review status: criteria provided, single submitter. Criteria: Invitae Variant Classification Sherloc (09022015). Collection method: clinical testing. Allele origin: germline.
Comment: In summary, the available evidence is currently insufficient to determine the role of this variant in disease. Therefore, it has been classified as a Variant of Uncertain Significance. Algorithms developed to predict the effect of missense changes on protein structure and function are either unavailable or do not agree on the potential impact of this missense change (SIFT: "Not Available"; PolyPhen-2: "Probably Damaging"; Align-GVGD: "Not Available"). This variant has not been reported in the literature in individuals with SPEG-related conditions. The frequency data for this variant in the population databases is considered unreliable, as metrics indicate insufficient coverage at this position in the ExAC database. This sequence change replaces serine with proline at codon 2474 of the SPEG protein (p.Ser2474Pro). The serine residue is moderately conserved and there is a moderate physicochemical difference between serine and proline.

NM_005876.5(SPEG):c.7420_7421delinsCC (p.Ser2474Pro)

Genes: ASIC4-AS1 (ASIC4 antisense RNA 1; minus strand), SPEG (striated muscle enriched protein kinase; plus strand). Cytogenetic location: 2q35.
Variant type: Indel.
Coding change: c.7420_7421delinsCC on transcript NM_005876.5 (MANE Select); coding-DNA positions 7420 to 7421, AG replaced by CC.
Protein change: p.Ser2474Pro; replaces serine 2474 with proline.
Molecular consequence: missense variant.
Genome position (GRCh38, 1-based): chr2:219,484,883-219,484,884, AG replaced by CC. VCF-style: chr2-219484883-AG-CC. GRCh37 (hg19) VCF-style: chr2-220349605-AG-CC.
Other names: short protein forms S2474P.
Identifiers: ClinVar variation 1416038 (VCV001416038.6), dbSNP rs2125562335, ClinGen allele CA2573135278.